The following is an entry in ClinVar:

NM_172362.3(KCNH1):c.2268A>C (p.Arg756Ser)

Gene: KCNH1 (potassium voltage-gated channel subfamily H member 1; minus strand). Cytogenetic location: 1q32.2.
Variant type: single nucleotide variant.
Coding change: c.2268A>C on transcript NM_172362.3 (MANE Select); coding-DNA position 2268, A replaced by C.
Protein change: p.Arg756Ser; replaces arginine 756 with serine.
Molecular consequence: missense variant.
Genome position (GRCh38, 1-based): chr1:210,683,983, T>G on the plus strand (A>C on the coding strand, the complement: KCNH1 is on the minus strand). VCF-style: chr1-210683983-T-G. GRCh37 (hg19) VCF-style: chr1-210857325-T-G.
Other names: c.2187A>C, p.Arg729Ser (NM_002238.4); short protein forms R756S, R729S.
Identifiers: ClinVar variation 1397305 (VCV001397305.8), dbSNP rs1681343899, ClinGen allele CA344871515.

ClinVar aggregate classification (germline): Uncertain significance (1 of 4 stars; one submission).

Allele frequency attached by ClinVar (database versions not stated): TOPMed 0.00001.

Submission:

Labcorp Genetics (formerly Invitae), Labcorp
Classification: Uncertain significance. Last evaluated: 2022-11-01. Review status: criteria provided, single submitter. Criteria: Invitae Variant Classification Sherloc (09022015). Collection method: clinical testing. Allele origin: germline.
Comment: This sequence change replaces arginine, which is basic and polar, with serine, which is neutral and polar, at codon 756 of the KCNH1 protein (p.Arg756Ser). This variant is not present in population databases (gnomAD no frequency). This variant has not been reported in the literature in individuals affected with KCNH1-related conditions. ClinVar contains an entry for this variant (Variation ID: 1397305). Advanced modeling of protein sequence and biophysical properties (such as structural, functional, and spatial information, amino acid conservation, physicochemical variation, residue mobility, and thermodynamic stability) performed at Invitae indicates that this missense variant is not expected to disrupt KCNH1 protein function. In summary, the available evidence is currently insufficient to determine the role of this variant in disease. Therefore, it has been classified as a Variant of Uncertain Significance.